The following is an entry in ClinVar:

NM_000051.4(ATM):c.1786C>G (p.Pro596Ala)

Gene: ATM (ATM serine/threonine kinase; plus strand). Cytogenetic location: 11q22.3.
Variant type: single nucleotide variant.
Coding change: c.1786C>G on transcript NM_000051.4 (MANE Select); coding-DNA position 1786, C replaced by G.
Protein change: p.Pro596Ala; replaces proline 596 with alanine.
Molecular consequence: missense variant.
Genome position (GRCh38, 1-based): chr11:108,252,015, C>G. VCF-style: chr11-108252015-C-G. GRCh37 (hg19) VCF-style: chr11-108122742-C-G.
Other names: c.1786C>G, p.Pro596Ala (NM_001351834.2); short protein forms P596A.
Identifiers: ClinVar variation 2120683 (VCV002120683.5), dbSNP rs2135344182, ClinGen allele CA382535533.
Genomic context (GRCh38, chr11:108,252,015, plus strand): 5'-ATAATGAAATGGCTCTTATTCTATCAGTTAGAGGGTGACTTAGAAAATAGCACAGAAGTG[C>G]CTCCAATTCTTCACAGGTAATTTAAGTTCATTAGCATGCTGCTGTTTTTTTTGTTTGTTT-3'
Protein context (NP_000042.3, residues 586-606): EGDLENSTEV[Pro596Ala]PILHSNFPHL

ClinVar aggregate classification (germline): Uncertain significance. Review status: criteria provided, multiple submitters, no conflicts (2 of 4 stars). 2 submissions from 2 submitters: Uncertain significance (2). Last evaluated 2024-08-21.

Conditions:
Hereditary cancer-predisposing syndrome. Also called: Tumor predisposition; Hereditary Cancer Syndrome; Neoplastic Syndromes, Hereditary; Hereditary neoplastic syndrome. Identifiers: Orphanet 140162, MedGen C0027672, MeSH D009386, MONDO:0015356.
Ataxia-telangiectasia syndrome (AT). Also called: Ataxia-telangiectasia; AT, COMPLEMENTATION GROUP C; ATAXIA-TELANGIECTASIA, COMPLEMENTATION GROUP A; ATAXIA-TELANGIECTASIA, FRESNO VARIANT; Ataxia-telangiectasia, complementation group E; LOUIS-BAR SYNDROME. Identifiers: Orphanet 100, MedGen C0004135, MONDO:0008840, OMIM 208900.

Submissions (2):

Ambry Genetics
Classification: Uncertain significance for Hereditary cancer-predisposing syndrome. Last evaluated: 2024-08-21. Review status: criteria provided, single submitter. Criteria: Ambry Variant Classification Scheme 2023. Collection method: clinical testing. Allele origin: germline.
Comment: The p.P596A variant (also known as c.1786C>G), located in coding exon 10 of the ATM gene, results from a C to G substitution at nucleotide position 1786. The proline at codon 596 is replaced by alanine, an amino acid with highly similar properties. This amino acid position is conserved. In addition, this alteration is predicted to be tolerated by in silico analysis. Based on the available evidence, the clinical significance of this variant remains unclear.

Labcorp Genetics (formerly Invitae), Labcorp
Classification: Uncertain significance for Ataxia-telangiectasia syndrome. Last evaluated: 2024-03-06. Review status: criteria provided, single submitter. Criteria: Invitae Variant Classification Sherloc (09022015). Collection method: clinical testing. Allele origin: germline.
Comment: This sequence change replaces proline, which is neutral and non-polar, with alanine, which is neutral and non-polar, at codon 596 of the ATM protein (p.Pro596Ala). This variant is not present in population databases (gnomAD no frequency). This variant has not been reported in the literature in individuals affected with ATM-related conditions. ClinVar contains an entry for this variant (Variation ID: 2120683). An algorithm developed to predict the effect of missense changes on protein structure and function (PolyPhen-2) suggests that this variant is likely to be tolerated. In summary, the available evidence is currently insufficient to determine the role of this variant in disease. Therefore, it has been classified as a Variant of Uncertain Significance.